The following is an entry in ClinVar:

NM_000465.4(BARD1):c.2102A>T (p.Gln701Leu)

Gene: BARD1 (BRCA1 associated RING domain 1; minus strand). Cytogenetic location: 2q35.
Variant type: single nucleotide variant.
Coding change: c.2102A>T on transcript NM_000465.4 (MANE Select); coding-DNA position 2102, A replaced by T.
Protein change: p.Gln701Leu; replaces glutamine 701 with leucine.
Molecular consequence: missense variant. On other transcripts: non-coding transcript variant (3).
Genome position (GRCh38, 1-based): chr2:214,728,908, T>A on the plus strand (A>T on the coding strand, the complement: BARD1 is on the minus strand). VCF-style: chr2-214728908-T-A. GRCh37 (hg19) VCF-style: chr2-215593632-T-A.
Other names: c.2045A>T, p.Gln682Leu (NM_001282543.2); c.749A>T, p.Gln250Leu (NM_001282545.2); c.692A>T, p.Gln231Leu (NM_001282548.2); c.563A>T, p.Gln188Leu (NM_001282549.2); c.2102A>T (NM_000465.2); short protein forms Q701L, Q231L, Q250L, Q682L, Q188L.
Identifiers: ClinVar variation 530193 (VCV000530193.14), dbSNP rs1553612182, ClinGen allele CA350450616.
Genomic context (GRCh38, chr2:214,728,908, plus strand): 5'-GCGACTGTATTGATGGTCTGAGTCACGTCACTGTCTGGCTTGGGCTTTCTACTGAGGATC[T>A]GGCCCCCACCTGCAGTGACGAGCTTAATAAGGTTGTCCTTTGGATGGTGTTTGAAGGTTC-3'
Protein context (NP_000456.2, residues 691-711): LIKLVTAGGG[Gln701Leu]ILSRKPKPDS

ClinVar aggregate classification (germline): Uncertain significance. Review status: criteria provided, multiple submitters, no conflicts (2 of 4 stars). 3 submissions from 3 submitters: Uncertain significance (3). Last evaluated 2024-09-30.

Conditions:
Hereditary cancer-predisposing syndrome. Also called: Hereditary neoplastic syndrome; Neoplastic Syndromes, Hereditary; Hereditary Cancer Syndrome; Tumor predisposition. Identifiers: Orphanet 140162, MedGen C0027672, MeSH D009386, MONDO:0015356.
Familial cancer of breast. Also called: BREAST CANCER, FAMILIAL; Hereditary breast cancer; hereditary breast carcinoma. Identifiers: Orphanet 227535, MedGen C0346153, MONDO:0016419, OMIM 114480. Disease mechanism: loss of function.

Submissions (3):

Labcorp Genetics (formerly Invitae), Labcorp
Classification: Uncertain significance for Familial cancer of breast. Last evaluated: 2024-09-30. Review status: criteria provided, single submitter. Criteria: Invitae Variant Classification Sherloc (09022015). Collection method: clinical testing. Allele origin: germline.
Comment: This sequence change replaces glutamine, which is neutral and polar, with leucine, which is neutral and non-polar, at codon 701 of the BARD1 protein (p.Gln701Leu). This variant is not present in population databases (gnomAD no frequency). This variant has not been reported in the literature in individuals affected with BARD1-related conditions. ClinVar contains an entry for this variant (Variation ID: 530193). An algorithm developed to predict the effect of missense changes on protein structure and function (PolyPhen-2) suggests that this variant is likely to be disruptive. In summary, the available evidence is currently insufficient to determine the role of this variant in disease. Therefore, it has been classified as a Variant of Uncertain Significance.

Ambry Genetics
Classification: Uncertain significance for Hereditary cancer-predisposing syndrome. Last evaluated: 2024-01-22. Review status: criteria provided, single submitter. Criteria: Ambry Variant Classification Scheme 2023. Collection method: clinical testing. Allele origin: germline.
Comment: The p.Q701L variant (also known as c.2102A>T), located in coding exon 11 of the BARD1 gene, results from an A to T substitution at nucleotide position 2102. The glutamine at codon 701 is replaced by leucine, an amino acid with dissimilar properties. This variant was seen in 1 of 732 individuals with breast cancer, 0 of 189 individuals with colorectal cancer, and 0 of 490 cancer-free elderly controls in a Turkish population (Akcay IM et al. Int J Cancer, 2021 Jan;148:285-295). This amino acid position is well conserved in available vertebrate species. In addition, this alteration is predicted to be tolerated by in silico analysis. Based on the available evidence, the clinical significance of this alteration remains unclear.

Color Diagnostics, LLC DBA Color Health
Classification: Uncertain significance for Hereditary cancer-predisposing syndrome. Last evaluated: 2020-03-16. Review status: criteria provided, single submitter. Criteria: ACMG Guidelines, 2015. Collection method: clinical testing. Allele origin: germline.
Comment: This missense variant replaces glutamine with leucine at codon 701 of the BARD1 protein. Computational prediction suggests that this variant may not impact protein structure and function (internally defined REVEL score threshold <= 0.5, PMID: 27666373). Splice site prediction tools suggest that this variant may not impact RNA splicing. To our knowledge, functional studies have not been reported for this variant. This variant has not been reported in individuals affected with hereditary cancer in the literature. This variant has not been identified in the general population by the Genome Aggregation Database (gnomAD). The available evidence is insufficient to determine the role of this variant in disease conclusively. Therefore, this variant is classified as a Variant of Uncertain Significance.

Literature cited by the submitters: PubMed 32658311 (cited by Ambry Genetics).